The following is an entry in ClinVar:

ClinVar aggregate classification (germline): Likely benign (0 of 4 stars; one submission).

Conditions:
ZNF141-related disorder. Also called: ZNF141-related condition.

Allele frequency attached by ClinVar (database versions not stated): ExAC 0.00009.

Submission:

PreventionGenetics, part of Exact Sciences
Classification: Likely benign for ZNF141-related condition. Last evaluated: 2023-03-17. Review status: no assertion criteria provided. Collection method: clinical testing. Allele origin: germline.
Comment: This variant is classified as likely benign based on ACMG/AMP sequence variant interpretation guidelines (Richards et al. 2015 PMID: 25741868, with internal and published modifications).

NM_003441.4(ZNF141):c.1049A>G (p.Gln350Arg)

Gene: ZNF141 (zinc finger protein 141; plus strand). Cytogenetic location: 4p16.3.
Variant type: single nucleotide variant.
Coding change: c.1049A>G on transcript NM_003441.4 (MANE Select); coding-DNA position 1049, A replaced by G.
Protein change: p.Gln350Arg; replaces glutamine 350 with arginine.
Molecular consequence: missense variant. On other transcripts: intron variant (1).
Genome position (GRCh38, 1-based): chr4:373,486, A>G. VCF-style: chr4-373486-A-G. GRCh37 (hg19) VCF-style: chr4-367275-A-G.
Other names: c.821A>G, p.Gln274Arg (NM_001348277.2); c.570+479A>G (NM_001348278.2); short protein forms Q274R, Q350R.
Identifiers: ClinVar variation 3060477 (VCV003060477.2), dbSNP rs782232303, ClinGen allele CA2791828.